The following is an entry in ClinVar:

ClinVar aggregate classification (germline): Uncertain significance (1 of 4 stars; one submission).

gnomAD v4.1: 2 of 1,614,198 alleles (0.00012%); highest among the groups gnomAD compares: Admixed American, 0.0017%; no homozygotes.

Submission:

Labcorp Genetics (formerly Invitae), Labcorp
Classification: Uncertain significance. Last evaluated: 2022-03-26. Review status: criteria provided, single submitter. Criteria: Invitae Variant Classification Sherloc (09022015). Collection method: clinical testing. Allele origin: germline.
Comment: This variant has not been reported in the literature in individuals affected with DUOX2-related conditions. This variant is not present in population databases (gnomAD no frequency). This sequence change replaces arginine, which is basic and polar, with proline, which is neutral and non-polar, at codon 422 of the DUOX2 protein (p.Arg422Pro). Advanced modeling of protein sequence and biophysical properties (such as structural, functional, and spatial information, amino acid conservation, physicochemical variation, residue mobility, and thermodynamic stability) performed at Invitae indicates that this missense variant is expected to disrupt DUOX2 protein function. In summary, the available evidence is currently insufficient to determine the role of this variant in disease. Therefore, it has been classified as a Variant of Uncertain Significance. Algorithms developed to predict the effect of sequence changes on RNA splicing suggest that this variant may create or strengthen a splice site.

NM_001363711.2(DUOX2):c.1265G>C (p.Arg422Pro)

Gene: DUOX2 (dual oxidase 2; minus strand). Cytogenetic location: 15q21.1.
Variant type: single nucleotide variant.
Coding change: c.1265G>C on transcript NM_001363711.2 (MANE Select); coding-DNA position 1265, G replaced by C.
Protein change: p.Arg422Pro; replaces arginine 422 with proline.
Molecular consequence: missense variant.
Genome position (GRCh38, 1-based): chr15:45,108,922, C>G on the plus strand (G>C on the coding strand, the complement: DUOX2 is on the minus strand). VCF-style: chr15-45108922-C-G. GRCh37 (hg19) VCF-style: chr15-45401120-C-G.
Other names: c.1265G>C, p.Arg422Pro (NM_014080.5); short protein forms R422P.
Identifiers: ClinVar variation 1977460 (VCV001977460.5), dbSNP rs201135069, ClinGen allele CA392276997.